The following is an entry in ClinVar:

NM_001349338.3(FOXP1):c.938G>A (p.Cys313Tyr)

Gene: FOXP1 (forkhead box P1; minus strand). Cytogenetic location: 3p13.
Variant type: single nucleotide variant.
Coding change: c.938G>A on transcript NM_001349338.3 (MANE Select); coding-DNA position 938, G replaced by A.
Protein change: p.Cys313Tyr; replaces cysteine 313 with tyrosine.
Molecular consequence: missense variant. On other transcripts: non-coding transcript variant (2).
Genome position (GRCh38, 1-based): chr3:71,015,585, C>T on the plus strand (G>A on the coding strand, the complement: FOXP1 is on the minus strand). VCF-style: chr3-71015585-C-T. GRCh37 (hg19) VCF-style: chr3-71064736-C-T.
Other names: c.938G>A, p.Cys313Tyr (NM_001244808.3, NM_001244810.2, NM_001244814.3 and 3 more transcripts); c.710G>A, p.Cys237Tyr (NM_001244812.3); c.638G>A, p.Cys213Tyr (NM_001244813.3, NM_001244815.2, NM_001349342.3 and 1 more transcripts); c.635G>A, p.Cys212Tyr (NM_001349337.2, NM_001349343.3, NM_001349344.3); c.935G>A, p.Cys312Tyr (NM_001349341.3); short protein forms C212Y, C213Y, C237Y, C312Y, C313Y.
Identifiers: ClinVar variation 3342346 (VCV003342346.1).

ClinVar aggregate classification (germline): Uncertain significance (1 of 4 stars; one submission).

Submission:

GeneDx
Classification: Uncertain significance. Last evaluated: 2024-02-20. Review status: criteria provided, single submitter. Criteria: GeneDx Variant Classification Process June 2021. Collection method: clinical testing. Allele origin: germline. Affected: yes.
Comment: Not observed at significant frequency in large population cohorts (gnomAD); In silico analysis supports that this missense variant has a deleterious effect on protein structure/function; Has not been previously published as pathogenic or benign to our knowledge